The following is an entry in ClinVar:

NM_000431.4(MVK):c.1055A>C (p.Glu352Ala)

Gene: MVK (mevalonate kinase; plus strand). Cytogenetic location: 12q24.11.
Variant type: single nucleotide variant.
Coding change: c.1055A>C on transcript NM_000431.4 (MANE Select); coding-DNA position 1055, A replaced by C.
Protein change: p.Glu352Ala; replaces glutamic acid 352 with alanine.
Molecular consequence: missense variant.
Genome position (GRCh38, 1-based): chr12:109,596,441, A>C. VCF-style: chr12-109596441-A-C. GRCh37 (hg19) VCF-style: chr12-110034246-A-C.
Other names: c.1055A>C, p.Glu352Ala (NM_001114185.3); c.899A>C, p.Glu300Ala (NM_001301182.2); short protein forms E352A, E300A.
Identifiers: ClinVar variation 1043707 (VCV001043707.8), dbSNP rs879219256, ClinGen allele CA243462597.

ClinVar aggregate classification (germline): Uncertain significance (1 of 4 stars; one submission).

Conditions:
Hyperimmunoglobulin D with periodic fever (HIDS). Also called: Hyperimmunoglobulinemia D with periodic fever; HYPERIMMUNOGLOBULINEMIA D AND PERIODIC FEVER SYNDROME; Hyperimmunoglobulinemia D. Identifiers: Orphanet 343, MedGen C0398691, MONDO:0009849, OMIM 260920.
Mevalonic aciduria (MEVA). Identifiers: Orphanet 29, MedGen C1959626, MONDO:0012481, OMIM 610377.
Porokeratosis 3, disseminated superficial actinic type (POROK3). Also called: POROKERATOSIS 3, MULTIPLE TYPES; POROKERATOSIS 3, MIBELLI TYPE; POROKERATOSIS, DISSEMINATED SUPERFICIAL ACTINIC, 1. Identifiers: MedGen C1867981, MONDO:0008293, OMIM 175900.

Allele frequency attached by ClinVar (database versions not stated): gnomAD exomes below 0.00001.
gnomAD v4.1: 1 of 1,613,622 alleles (0.000062%); highest among the groups gnomAD compares: South Asian, 0.0011%; no homozygotes.

Submission:

Labcorp Genetics (formerly Invitae), Labcorp
Classification: Uncertain significance for Mevalonic aciduria; Hyperimmunoglobulin D with periodic fever; Porokeratosis 3, disseminated superficial actinic type. Last evaluated: 2024-08-15. Review status: criteria provided, single submitter. Criteria: Invitae Variant Classification Sherloc (09022015). Collection method: clinical testing. Allele origin: germline.
Comment: This sequence change replaces glutamic acid, which is acidic and polar, with alanine, which is neutral and non-polar, at codon 352 of the MVK protein (p.Glu352Ala). This variant is present in population databases (no rsID available, gnomAD 0.003%). This variant has not been reported in the literature in individuals affected with MVK-related conditions. ClinVar contains an entry for this variant (Variation ID: 1043707). Invitae Evidence Modeling of protein sequence and biophysical properties (such as structural, functional, and spatial information, amino acid conservation, physicochemical variation, residue mobility, and thermodynamic stability) indicates that this missense variant is not expected to disrupt MVK protein function with a negative predictive value of 80%. In summary, the available evidence is currently insufficient to determine the role of this variant in disease. Therefore, it has been classified as a Variant of Uncertain Significance.